The following is an entry in ClinVar:

ClinVar aggregate classification (germline): Uncertain significance (1 of 4 stars; one submission).

Allele frequency attached by ClinVar (database versions not stated): gnomAD exomes 0.00001; gnomAD 0.00002; TOPMed 0.00002.
gnomAD v4.1: 21 of 1,613,842 alleles (0.0013%); highest among the groups gnomAD compares: Admixed American, 0.0033%; no homozygotes.

Submission:

Labcorp Genetics (formerly Invitae), Labcorp
Classification: Uncertain significance. Last evaluated: 2022-09-13. Review status: criteria provided, single submitter. Criteria: Invitae Variant Classification Sherloc (09022015). Collection method: clinical testing. Allele origin: germline.
Comment: This sequence change replaces isoleucine, which is neutral and non-polar, with threonine, which is neutral and polar, at codon 1089 of the DENND5A protein (p.Ile1089Thr). This variant is present in population databases (no rsID available, gnomAD 0.006%). This variant has not been reported in the literature in individuals affected with DENND5A-related conditions. Advanced modeling of protein sequence and biophysical properties (such as structural, functional, and spatial information, amino acid conservation, physicochemical variation, residue mobility, and thermodynamic stability) performed at Invitae indicates that this missense variant is not expected to disrupt DENND5A protein function. In summary, the available evidence is currently insufficient to determine the role of this variant in disease. Therefore, it has been classified as a Variant of Uncertain Significance.

NM_015213.4(DENND5A):c.3266T>C (p.Ile1089Thr)

Gene: DENND5A (DENN domain containing 5A; minus strand). Cytogenetic location: 11p15.4.
Variant type: single nucleotide variant.
Coding change: c.3266T>C on transcript NM_015213.4 (MANE Select); coding-DNA position 3266, T replaced by C.
Protein change: p.Ile1089Thr; replaces isoleucine 1089 with threonine.
Molecular consequence: missense variant. On other transcripts: non-coding transcript variant (1).
Genome position (GRCh38, 1-based): chr11:9,144,135, A>G on the plus strand (T>C on the coding strand, the complement: DENND5A is on the minus strand). VCF-style: chr11-9144135-A-G. GRCh37 (hg19) VCF-style: chr11-9165682-A-G.
Other names: c.3266T>C, p.Ile1089Thr (NM_001243254.2, NM_001348748.1); c.3194T>C, p.Ile1065Thr (NM_001348749.2); c.2978T>C, p.Ile993Thr (NM_001348750.2); short protein forms I993T, I1089T, I1065T.
Identifiers: ClinVar variation 2079178 (VCV002079178.1), dbSNP rs1458085733, ClinGen allele CA379600703.